The following is an entry in ClinVar:

ClinVar aggregate classification (germline): Uncertain significance. Review status: criteria provided, multiple submitters, no conflicts (2 of 4 stars). 2 submissions from 2 submitters: Uncertain significance (2). Last evaluated 2025-03-17.

Conditions:
Hereditary cancer-predisposing syndrome. Also called: Neoplastic Syndromes, Hereditary; Tumor predisposition; Hereditary Cancer Syndrome; Hereditary neoplastic syndrome. Identifiers: Orphanet 140162, MedGen C0027672, MeSH D009386, MONDO:0015356.
Familial adenomatous polyposis 1 (FAP1). Also called: FAMILIAL ADENOMATOUS POLYPOSIS 1, ATTENUATED; POLYPOSIS, ADENOMATOUS INTESTINAL. Identifiers: MedGen C2713442, MONDO:0021056, OMIM 175100. Disease mechanism: loss of function.

Submissions (2):

Ambry Genetics
Classification: Uncertain significance for Hereditary cancer-predisposing syndrome. Last evaluated: 2025-03-17. Review status: criteria provided, single submitter. Criteria: Ambry Variant Classification Scheme 2023. Collection method: clinical testing. Allele origin: germline.
Comment: The p.K1593N variant (also known as c.4779G>C), located in coding exon 15 of the APC gene, results from a G to C substitution at nucleotide position 4779. The lysine at codon 1593 is replaced by asparagine, an amino acid with similar properties. This amino acid position is conserved. In addition, in silico predictors for this gene do not accurately predict pathogenicity. Based on the available evidence, the clinical significance of this variant remains unclear.

Labcorp Genetics (formerly Invitae), Labcorp
Classification: Uncertain significance for Familial adenomatous polyposis 1. Last evaluated: 2024-02-25. Review status: criteria provided, single submitter. Criteria: Invitae Variant Classification Sherloc (09022015). Collection method: clinical testing. Allele origin: germline.
Comment: This sequence change replaces lysine, which is basic and polar, with asparagine, which is neutral and polar, at codon 1593 of the APC protein (p.Lys1593Asn). This variant is not present in population databases (gnomAD no frequency). This variant has not been reported in the literature in individuals affected with APC-related conditions. Advanced modeling of protein sequence and biophysical properties (such as structural, functional, and spatial information, amino acid conservation, physicochemical variation, residue mobility, and thermodynamic stability) performed at Invitae indicates that this missense variant is not expected to disrupt APC protein function with a negative predictive value of 95%. In summary, the available evidence is currently insufficient to determine the role of this variant in disease. Therefore, it has been classified as a Variant of Uncertain Significance.

NM_000038.6(APC):c.4779G>C (p.Lys1593Asn)

Gene: APC (APC regulator of Wnt signaling pathway; plus strand). Cytogenetic location: 5q22.2.
Variant type: single nucleotide variant.
Coding change: c.4779G>C on transcript NM_000038.6 (MANE Select); coding-DNA position 4779, G replaced by C.
Protein change: p.Lys1593Asn; replaces lysine 1593 with asparagine.
Molecular consequence: missense variant. On other transcripts: non-coding transcript variant (2).
Genome position (GRCh38, 1-based): chr5:112,840,373, G>C. VCF-style: chr5-112840373-G-C. GRCh37 (hg19) VCF-style: chr5-112176070-G-C.
Other names: c.4779G>C, p.Lys1593Asn (NM_001127510.3, NM_001354895.2, NM_001407450.1); c.4725G>C, p.Lys1575Asn (NM_001127511.3); c.4833G>C, p.Lys1611Asn (NM_001354896.2, NM_001407447.1, NM_001407448.1 and 1 more transcripts); c.4809G>C, p.Lys1603Asn (NM_001354897.2); c.4704G>C, p.Lys1568Asn (NM_001354898.2); c.4695G>C, p.Lys1565Asn (NM_001354899.2); c.4656G>C, p.Lys1552Asn (NM_001354900.2); c.4602G>C, p.Lys1534Asn (NM_001354901.2, NM_001407453.1); and 12 more; short protein forms K1433N, K1502N, K1575N, K1593N, K1621N, K1310N, K1534N, K1552N.
Identifiers: ClinVar variation 3635473 (VCV003635473.3).